The following is an entry in ClinVar:

NM_000264.5(PTCH1):c.1292T>C (p.Leu431Pro)

Gene: PTCH1 (patched 1; minus strand). Cytogenetic location: 9q22.32.
Variant type: single nucleotide variant.
Coding change: c.1292T>C on transcript NM_000264.5 (MANE Select); coding-DNA position 1292, T replaced by C.
Protein change: p.Leu431Pro; replaces leucine 431 with proline.
Molecular consequence: missense variant. On other transcripts: non-coding transcript variant (1).
Genome position (GRCh38, 1-based): chr9:95,478,110, A>G on the plus strand (T>C on the coding strand, the complement: PTCH1 is on the minus strand). VCF-style: chr9-95478110-A-G. GRCh37 (hg19) VCF-style: chr9-98240392-A-G.
Other names: c.1094T>C, p.Leu365Pro (NM_001083602.3); c.1289T>C, p.Leu430Pro (NM_001083603.3); c.839T>C, p.Leu280Pro (NM_001083604.3, NM_001083605.3, NM_001083606.3 and 1 more transcripts); c.1292T>C, p.Leu431Pro (NM_001354918.2); short protein forms L431P, L365P, L430P, L280P.
Identifiers: ClinVar variation 581948 (VCV000581948.9), dbSNP rs1564051512, ClinGen allele CA374118812.

ClinVar aggregate classification (germline): Uncertain significance (1 of 4 stars; one submission).

Conditions:
Gorlin syndrome. Also called: Basal cell nevus syndrome; Nevoid Basal Cell Carcinoma Syndrome. Identifiers: Orphanet 377, MedGen C0004779, MONDO:0007187.

Submission:

Labcorp Genetics (formerly Invitae), Labcorp
Classification: Uncertain significance for Gorlin syndrome. Last evaluated: 2018-01-27. Review status: criteria provided, single submitter. Criteria: Invitae Variant Classification Sherloc (09022015). Collection method: clinical testing. Allele origin: germline.
Comment: In summary, the available evidence is currently insufficient to determine the role of this variant in disease. Therefore, it has been classified as a Variant of Uncertain Significance. Algorithms developed to predict the effect of missense changes on protein structure and function do not agree on the potential impact of this missense change (SIFT: "Deleterious"; PolyPhen-2: "Probably Damaging"; Align-GVGD: "Class C0"). This variant has not been reported in the literature in individuals with PTCH1-related disease. This variant is not present in population databases (ExAC no frequency). This sequence change replaces leucine with proline at codon 431 of the PTCH1 protein (p.Leu431Pro). The leucine residue is highly conserved and there is a moderate physicochemical difference between leucine and proline.